The following is an entry in ClinVar:

NM_004168.4(SDHA):c.1988C>G (p.Ser663Cys)

Gene: SDHA (succinate dehydrogenase complex flavoprotein subunit A; plus strand). Cytogenetic location: 5p15.33.
Variant type: single nucleotide variant.
Coding change: c.1988C>G on transcript NM_004168.4 (MANE Select); coding-DNA position 1988, C replaced by G.
Protein change: p.Ser663Cys; replaces serine 663 with cysteine.
Molecular consequence: missense variant.
Genome position (GRCh38, 1-based): chr5:256,413, C>G. VCF-style: chr5-256413-C-G. GRCh37 (hg19) VCF-style: chr5-256528-C-G.
Other names: c.1844C>G, p.Ser615Cys (NM_001294332.2); c.1745C>G, p.Ser582Cys (NM_001330758.2); short protein forms S582C, S663C, S615C.
Identifiers: ClinVar variation 3316827 (VCV003316827.1).

ClinVar aggregate classification (germline): Uncertain significance (1 of 4 stars; one submission).

Conditions:
Hereditary cancer-predisposing syndrome. Also called: Neoplastic Syndromes, Hereditary; Tumor predisposition; Hereditary neoplastic syndrome; Hereditary Cancer Syndrome. Identifiers: Orphanet 140162, MedGen C0027672, MeSH D009386, MONDO:0015356.

Submission:

Ambry Genetics
Classification: Uncertain significance for Hereditary cancer-predisposing syndrome. Last evaluated: 2024-03-19. Review status: criteria provided, single submitter. Criteria: Ambry Variant Classification Scheme 2023. Collection method: clinical testing. Allele origin: germline.
Comment: The p.S663C variant (also known as c.1988C>G), located in coding exon 15 of the SDHA gene, results from a C to G substitution at nucleotide position 1988. The serine at codon 663 is replaced by cysteine, an amino acid with dissimilar properties. This amino acid position is conserved. In addition, this alteration is predicted to be deleterious by in silico analysis. Based on the available evidence, the clinical significance of this alteration remains unclear.